The following is an entry in ClinVar:

ClinVar aggregate classification (germline): Uncertain significance (1 of 4 stars; one submission).

Allele frequency attached by ClinVar (database versions not stated): gnomAD 0.00001.
gnomAD v4.1: 2 of 1,614,030 alleles (0.00012%); highest among the groups gnomAD compares: Non-Finnish European, 0.00017%; no homozygotes.

Submission:

Ambry Genetics
Classification: Uncertain significance. Last evaluated: 2021-08-28. Review status: criteria provided, single submitter. Criteria: Ambry Variant Classification Scheme 2023. Collection method: clinical testing. Allele origin: germline.
Comment: The p.N1087I variant (also known as c.3260A>T), located in coding exon 17 of the NPAT gene, results from an A to T substitution at nucleotide position 3260. The asparagine at codon 1087 is replaced by isoleucine, an amino acid with dissimilar properties. This amino acid position is conserved. In addition, this alteration is predicted to be tolerated by in silico analysis. Since supporting evidence is limited at this time, the clinical significance of this alteration remains unclear.

NM_002519.3(NPAT):c.3260A>T (p.Asn1087Ile)

Gene: NPAT (nuclear protein, coactivator of histone transcription; minus strand). Cytogenetic location: 11q22.3.
Variant type: single nucleotide variant.
Coding change: c.3260A>T on transcript NM_002519.3 (MANE Select); coding-DNA position 3260, A replaced by T.
Protein change: p.Asn1087Ile; replaces asparagine 1087 with isoleucine.
Molecular consequence: missense variant.
Genome position (GRCh38, 1-based): chr11:108,161,826, T>A on the plus strand (A>T on the coding strand, the complement: NPAT is on the minus strand). VCF-style: chr11-108161826-T-A. GRCh37 (hg19) VCF-style: chr11-108032553-T-A.
Other names: c.3281A>T, p.Asn1094Ile (NM_001321307.1); short protein forms N1087I, N1094I.
Identifiers: ClinVar variation 1729528 (VCV001729528.2), dbSNP rs1488058607, ClinGen allele CA382511196.